The following is an entry in ClinVar:

NM_001379659.1(ZNF142):c.95C>G (p.Ser32Cys)

Gene: ZNF142 (zinc finger protein 142; minus strand). Cytogenetic location: 2q35.
Variant type: single nucleotide variant.
Coding change: c.95C>G on transcript NM_001379659.1 (MANE Select); coding-DNA position 95, C replaced by G.
Protein change: p.Ser32Cys; replaces serine 32 with cysteine.
Molecular consequence: missense variant.
Genome position (GRCh38, 1-based): chr2:218,656,335, G>C on the plus strand (C>G on the coding strand, the complement: ZNF142 is on the minus strand). VCF-style: chr2-218656335-G-C. GRCh37 (hg19) VCF-style: chr2-219521058-G-C.
Other names: c.95C>G, p.Ser32Cys (NM_001105537.5, NM_001366290.3, NM_001366291.3 and 7 more transcripts); c.-517C>G (NM_001366287.3, NM_001366288.3, NM_001366289.3); c.95C>G (NM_001366290.1); short protein forms S32C.
Identifiers: ClinVar variation 2503959 (VCV002503959.3), dbSNP rs61733650, ClinGen allele CA2109550.

ClinVar aggregate classification (germline): Conflicting classifications of pathogenicity. Review status: criteria provided, conflicting classifications (1 of 4 stars). 3 submissions from 3 submitters: Uncertain significance (2); Likely benign (1). Last evaluated 2026-02-04.

Conditions:
ZNF142-related disorder. Also called: ZNF142-related condition.

Allele frequency attached by ClinVar (database versions not stated): ExAC 0.00027; 1000 Genomes Project 30x 0.00078; 1000 Genomes Project 0.00080; ESP Exome Variant Server 0.00099; gnomAD 0.00100; TOPMed 0.00123.
gnomAD v4.1: 288 of 1,595,818 alleles (0.018%); highest among the groups gnomAD compares: African/African-American, 0.36%; no homozygotes.

Submissions (3):

GeneDx
Classification: Uncertain significance. Last evaluated: 2026-02-04. Review status: criteria provided, single submitter. Criteria: GeneDx Variant Classification Process June 2021. Collection method: clinical testing. Allele origin: germline.
Comment: In silico analysis suggests that this missense variant does not alter protein structure/function; Has not been previously published as pathogenic or benign to our knowledge

PreventionGenetics, part of Exact Sciences
Classification: Likely benign for ZNF142-related condition. Last evaluated: 2026-01-25. Review status: criteria provided, single submitter. Criteria: ACMG Guidelines, 2015. Collection method: clinical testing. Allele origin: germline.
Comment: This variant is classified as likely benign based on ACMG/AMP sequence variant interpretation guidelines (Richards et al. 2015 PMID: 25741868, with internal and published modifications).

Women's Health and Genetics/Laboratory Corporation of America, LabCorp
Classification: Uncertain significance. Last evaluated: 2023-04-18. Review status: criteria provided, single submitter. Criteria: LabCorp Variant Classification Summary - May 2015. Collection method: clinical testing. Allele origin: germline.
Comment: Variant summary: ZNF142 c.95C>G (p.Ser32Cys) results in a non-conservative amino acid change in the encoded protein sequence. Three of five in-silico tools predict a benign effect of the variant on protein function. The variant allele was found at a frequency of 0.00025 in 241560 control chromosomes (gnomAD). To our knowledge, no occurrence of c.95C>G in individuals affected with Neurodevelopmental Disorder With Impaired Speech And Hyperkinetic Movements and no experimental evidence demonstrating its impact on protein function have been reported. No clinical diagnostic laboratories have submitted clinical-significance assessments for this variant to ClinVar after 2014. Based on the evidence outlined above, the variant was classified as uncertain significance.